The following is an entry in ClinVar:

ClinVar aggregate classification (germline): Likely pathogenic (1 of 4 stars; one submission).

Submission:

GeneDx
Classification: Likely pathogenic. Last evaluated: 2023-07-26. Review status: criteria provided, single submitter. Criteria: GeneDx Variant Classification Process June 2021. Collection method: clinical testing. Allele origin: germline. Affected: yes.
Comment: Not observed at significant frequency in large population cohorts (gnomAD); In silico analysis supports that this missense variant has a deleterious effect on protein structure/function; Has not been previously published as pathogenic or benign to our knowledge

NM_001371727.1(GABRB2):c.744A>C (p.Gln248His)

Gene: GABRB2 (gamma-aminobutyric acid type A receptor subunit beta2; minus strand). Cytogenetic location: 5q34.
Variant type: single nucleotide variant.
Coding change: c.744A>C on transcript NM_001371727.1 (MANE Select); coding-DNA position 744, A replaced by C.
Protein change: p.Gln248His; replaces glutamine 248 with histidine.
Molecular consequence: missense variant.
Genome position (GRCh38, 1-based): chr5:161,334,840, T>G on the plus strand (A>C on the coding strand, the complement: GABRB2 is on the minus strand). VCF-style: chr5-161334840-T-G. GRCh37 (hg19) VCF-style: chr5-160761847-T-G.
Other names: c.744A>C, p.Gln248His (NM_000813.3, NM_021911.3); short protein forms Q248H.
Identifiers: ClinVar variation 3252983 (VCV003252983.1), dbSNP rs935553427.